The following is an entry in ClinVar:

NM_032520.5(GNPTG):c.101del (p.Asn34fs)

Genes: GNPTG (N-acetylglucosamine-1-phosphate transferase subunit gamma; plus strand), LOC130058158 (ATAC-STARR-seq lymphoblastoid silent region 6972; plus strand). Cytogenetic location: 16p13.3.
Variant type: Deletion.
Coding change: c.101del on transcript NM_032520.5 (MANE Select); coding-DNA position 101, one base deleted (A; older notation c.101delA).
Protein change: p.Asn34fs; shifts the reading frame from asparagine 34.
Molecular consequence: frameshift variant.
Genome position (GRCh38, 1-based): chr16:1,352,150, A deleted; the last of 2 consecutive A bases (chr16:1,352,149-1,352,150); deleting either gives the same sequence. VCF-style (leftmost placement, unchanged base first): chr16-1352148-CA-C. GRCh37 (hg19) VCF-style: chr16-1402149-CA-C.
Other names: short protein forms N34fs.
Identifiers: ClinVar variation 4816329 (VCV004816329.1).

ClinVar aggregate classification (germline): Likely pathogenic (1 of 4 stars; one submission).

Conditions:
GNPTG-mucolipidosis. Also called: ML III GAMMA; ML IIIC; MUCOLIPIDOSIS III, COMPLEMENTATION GROUP C; MUCOLIPIDOSIS III, IRANIAN VARIANT FORM; MUCOLIPIDOSIS III, VARIANT FORM; Mucolipidosis type III gamma. Identifiers: Orphanet 423470, Orphanet 577, MedGen C1854896, MONDO:0009652, OMIM 252605.

Submission:

Natera, Inc.
Classification: Likely pathogenic for Mucolipidosis III gamma. Last evaluated: 2025-06-05. Review status: criteria provided, single submitter. Criteria: Natera Variant Classification Schema (03/2026). Collection method: clinical testing. Allele origin: germline.
Comment: The c.101del variant in GNPTG is a frameshift variant predicted to shift the reading frame beginning at codon 34 and leads to a stop codon 5 codons downstream. This variant is expected to result in nonsense mediated decay, truncation, or a dysfunctional protein product. This variant is rare in the general population with a frequency below the threshold expected for the associated phenotype(s). Given the available evidence, this variant is classified as Likely Pathogenic.